The following is an entry in ClinVar:

ClinVar aggregate classification (germline): Likely benign. Review status: criteria provided, multiple submitters, no conflicts (2 of 4 stars). 3 submissions from 3 submitters: Likely benign (3). Last evaluated 2026-01-21.

Conditions:
Arrhythmogenic right ventricular dysplasia 8 (ARVD8). Also called: Arrhythmogenic Right Ventricular Dysplasia/Cardiomyopathy 8; ARRHYTHMOGENIC RIGHT VENTRICULAR DYSPLASIA, FAMILIAL, 8; ARRHYTHMOGENIC RIGHT VENTRICULAR CARDIOMYOPATHY 8. Identifiers: MedGen C1843896, MONDO:0011831, OMIM 607450.
Arrhythmogenic cardiomyopathy with wooly hair and keratoderma. Also called: PALMOPLANTAR KERATODERMA WITH LEFT VENTRICULAR CARDIOMYOPATHY AND WOOLLY HAIR; Carvajal syndrome; Dilated cardiomyopathy with woolly hair and keratoderma; Arrhythmogenic cardiomyopathy with woolly hair and keratoderma. Identifiers: Orphanet 65282, MedGen C1854063, MONDO:0011581, OMIM 605676.
Cardiovascular phenotype. Identifiers: MedGen CN230736.

Allele frequency attached by ClinVar (database versions not stated): gnomAD exomes below 0.00001; TOPMed below 0.00001.
gnomAD v4.1: 3 of 1,614,182 alleles (0.00019%); highest among the groups gnomAD compares: Admixed American, 0.0017%; no homozygotes.

Submissions (3):

Ambry Genetics
Classification: Likely benign for Cardiovascular phenotype. Last evaluated: 2026-01-21. Review status: criteria provided, single submitter. Criteria: Ambry Variant Classification Scheme 2023. Collection method: clinical testing. Allele origin: germline.

Labcorp Genetics (formerly Invitae), Labcorp
Classification: Likely benign for Arrhythmogenic cardiomyopathy with wooly hair and keratoderma; Arrhythmogenic right ventricular dysplasia 8. Last evaluated: 2024-10-04. Review status: criteria provided, single submitter. Criteria: Invitae Variant Classification Sherloc (09022015). Collection method: clinical testing. Allele origin: germline.

All of Us Research Program, National Institutes of Health
Classification: Likely benign for Arrhythmogenic cardiomyopathy with wooly hair and keratoderma. Last evaluated: 2023-08-28. Review status: criteria provided, single submitter. Criteria: ACMG Guidelines, 2015. Collection method: clinical testing. Allele origin: germline. Inheritance: Autosomal dominant inheritance. Observed: 1 variant allele, 1 heterozygote.
Comment: This study involves interpretation of variants in research participants for the purpose of population health screening. Participant phenotype was not available at the time of variant classification. Additional details can be found in publication PMID: 35346344, PMCID: PMC8962531

NM_004415.4(DSP):c.6729T>C (p.Tyr2243=)

Gene: DSP (desmoplakin; plus strand). Cytogenetic location: 6p24.3.
Variant type: single nucleotide variant.
Coding change: c.6729T>C on transcript NM_004415.4 (MANE Select); coding-DNA position 6729, T replaced by C.
Protein change: p.Tyr2243=; no amino-acid change (tyrosine 2243 retained).
Molecular consequence: synonymous variant.
Genome position (GRCh38, 1-based): chr6:7,583,991, T>C. VCF-style: chr6-7583991-T-C. GRCh37 (hg19) VCF-style: chr6-7584224-T-C.
Other names: c.4932T>C, p.Tyr1644= (NM_001008844.3); c.5400T>C, p.Tyr1800= (NM_001319034.2).
Identifiers: ClinVar variation 1938987 (VCV001938987.7), dbSNP rs188533371, ClinGen allele CA448716193.